The following is an entry in ClinVar:

NM_005097.4(LGI1):c.661T>C (p.Cys221Arg)

Gene: LGI1 (leucine rich glioma inactivated 1; plus strand). Cytogenetic location: 10q23.33.
Variant type: single nucleotide variant.
Coding change: c.661T>C on transcript NM_005097.4 (MANE Select); coding-DNA position 661, T replaced by C.
Protein change: p.Cys221Arg; replaces cysteine 221 with arginine.
Molecular consequence: missense variant. On other transcripts: non-coding transcript variant (1).
Genome position (GRCh38, 1-based): chr10:93,792,900, T>C. VCF-style: chr10-93792900-T-C. GRCh37 (hg19) VCF-style: chr10-95552657-T-C.
Other names: c.661T>C, p.Cys221Arg (NM_001308275.2); c.517T>C, p.Cys173Arg (NM_001308276.2); short protein forms C173R, C221R.
Identifiers: ClinVar variation 3766321 (VCV003766321.1).

ClinVar aggregate classification (germline): Uncertain significance (1 of 4 stars; one submission).

Submission:

GeneDx
Classification: Uncertain significance. Last evaluated: 2024-08-25. Review status: criteria provided, single submitter. Criteria: GeneDx Variant Classification Process June 2021. Collection method: clinical testing. Allele origin: germline. Affected: yes.
Comment: Not observed at significant frequency in large population cohorts (gnomAD); In silico analysis supports that this missense variant has a deleterious effect on protein structure/function; Has not been previously published as pathogenic or benign to our knowledge